The following is an entry in ClinVar:

ClinVar aggregate classification (germline): Uncertain significance (1 of 4 stars; one submission).

Allele frequency attached by ClinVar (database versions not stated): gnomAD exomes below 0.00001; TOPMed below 0.00001; ExAC 0.00001; gnomAD 0.00001.
gnomAD v4.1: 5 of 1,614,048 alleles (0.00031%); highest among the groups gnomAD compares: Admixed American, 0.0017%; no homozygotes.

Submission:

Labcorp Genetics (formerly Invitae), Labcorp
Classification: Uncertain significance. Last evaluated: 2022-10-25. Review status: criteria provided, single submitter. Criteria: Invitae Variant Classification Sherloc (09022015). Collection method: clinical testing. Allele origin: germline.
Comment: In summary, the available evidence is currently insufficient to determine the role of this variant in disease. Therefore, it has been classified as a Variant of Uncertain Significance. Advanced modeling of protein sequence and biophysical properties (such as structural, functional, and spatial information, amino acid conservation, physicochemical variation, residue mobility, and thermodynamic stability) performed at Invitae indicates that this missense variant is not expected to disrupt NEUROD1 protein function. ClinVar contains an entry for this variant (Variation ID: 1358160). This variant has not been reported in the literature in individuals affected with NEUROD1-related conditions. This variant is present in population databases (rs764986451, gnomAD 0.003%). This sequence change replaces isoleucine, which is neutral and non-polar, with valine, which is neutral and non-polar, at codon 328 of the NEUROD1 protein (p.Ile328Val).

NM_002500.5(NEUROD1):c.982A>G (p.Ile328Val)

Gene: NEUROD1 (neuronal differentiation 1; minus strand). Cytogenetic location: 2q31.3.
Variant type: single nucleotide variant.
Coding change: c.982A>G on transcript NM_002500.5 (MANE Select); coding-DNA position 982, A replaced by G.
Protein change: p.Ile328Val; replaces isoleucine 328 with valine.
Molecular consequence: missense variant.
Genome position (GRCh38, 1-based): chr2:181,677,879, T>C on the plus strand (A>G on the coding strand, the complement: NEUROD1 is on the minus strand). VCF-style: chr2-181677879-T-C. GRCh37 (hg19) VCF-style: chr2-182542606-T-C.
Other names: short protein forms I328V.
Identifiers: ClinVar variation 1358160 (VCV001358160.8), dbSNP rs764986451, ClinGen allele CA2011024.